The following is an entry in ClinVar:

ClinVar aggregate classification (germline): Uncertain significance (1 of 4 stars; one submission).

Allele frequency attached by ClinVar (database versions not stated): ExAC 0.00001; gnomAD exomes 0.00001.
gnomAD v4.1: 5 of 1,612,880 alleles (0.00031%); highest among the groups gnomAD compares: South Asian, 0.0011%; no homozygotes.

Submission:

Labcorp Genetics (formerly Invitae), Labcorp
Classification: Uncertain significance. Last evaluated: 2023-12-13. Review status: criteria provided, single submitter. Criteria: Invitae Variant Classification Sherloc (09022015). Collection method: clinical testing. Allele origin: germline.
Comment: This sequence change replaces glutamic acid, which is acidic and polar, with lysine, which is basic and polar, at codon 780 of the PACS2 protein (p.Glu780Lys). This variant is present in population databases (rs782572509, gnomAD 0.003%). This variant has not been reported in the literature in individuals affected with PACS2-related conditions. Advanced modeling of protein sequence and biophysical properties (such as structural, functional, and spatial information, amino acid conservation, physicochemical variation, residue mobility, and thermodynamic stability) performed at Invitae indicates that this missense variant is not expected to disrupt PACS2 protein function with a negative predictive value of 80%. In summary, the available evidence is currently insufficient to determine the role of this variant in disease. Therefore, it has been classified as a Variant of Uncertain Significance.

NM_001100913.3(PACS2):c.2338G>A (p.Glu780Lys)

Gene: PACS2 (phosphofurin acidic cluster sorting protein 2; plus strand). Cytogenetic location: 14q32.33.
Variant type: single nucleotide variant.
Coding change: c.2338G>A on transcript NM_001100913.3 (MANE Select); coding-DNA position 2338, G replaced by A.
Protein change: p.Glu780Lys; replaces glutamic acid 780 with lysine.
Molecular consequence: missense variant.
Genome position (GRCh38, 1-based): chr14:105,392,701, G>A. VCF-style: chr14-105392701-G-A. GRCh37 (hg19) VCF-style: chr14-105859038-G-A.
Other names: c.2068G>A, p.Glu690Lys (NM_001243127.3); c.2293G>A, p.Glu765Lys (NM_015197.4); short protein forms E690K, E765K, E780K.
Identifiers: ClinVar variation 2778720 (VCV002778720.3), dbSNP rs782572509, ClinGen allele CA7389248.